The following is an entry in ClinVar:

ClinVar aggregate classification (germline): Conflicting classifications of pathogenicity. Review status: criteria provided, conflicting classifications (1 of 4 stars). 4 submissions from 4 submitters: Uncertain significance (1); Benign (1); Likely benign (2). Last evaluated 2025-10-24.

Conditions:
Hereditary cancer-predisposing syndrome. Also called: Neoplastic Syndromes, Hereditary; Hereditary Cancer Syndrome; Hereditary neoplastic syndrome; Tumor predisposition. Identifiers: Orphanet 140162, MedGen C0027672, MeSH D009386, MONDO:0015356.
Hereditary leiomyomatosis and renal cell cancer. Also called: Reed syndrome; Multiple cutaneous and uterine leiomyomatosis; Cutaneous leiomyomata with uterine leiomyomata; Leiomyoma, hereditary multiple, of skin; Multiple cutaneous and uterine leiomyomata; Multiple cutaneous leiomyomas. Identifiers: Orphanet 523, MedGen C1708350, MONDO:0007888, OMIM 150800, HP:0007437. Disease mechanism: loss of function.

gnomAD v4.1: 2 of 1,608,378 alleles (0.00012%); highest among the groups gnomAD compares: African/African-American, 0.0027%; no homozygotes.

Submissions (4):

Labcorp Genetics (formerly Invitae), Labcorp
Classification: Likely benign. Last evaluated: 2025-10-24. Review status: criteria provided, single submitter. Criteria: Invitae Variant Classification Sherloc (09022015). Collection method: clinical testing. Allele origin: germline.

GeneDx
Classification: Uncertain significance. Last evaluated: 2025-04-28. Review status: criteria provided, single submitter. Criteria: GeneDx Variant Classification Process June 2021. Collection method: clinical testing. Allele origin: germline. Affected: yes.
Comment: Not observed at significant frequency in large population cohorts (gnomAD); In silico analysis indicates that this variant does not alter splicing; Has not been previously published as pathogenic or benign to our knowledge

Myriad Genetics, Inc.
Classification: Benign for Hereditary leiomyomatosis and renal cell cancer. Last evaluated: 2024-10-22. Review status: criteria provided, single submitter. Criteria: Myriad Autosomal Dominant, Autosomal Recessive and X-Linked Classification Criteria (2023). Collection method: clinical testing. Allele origin: unknown.
Comment: This variant is considered benign. This variant is a silent/synonymous amino acid change and it is not expected to impact splicing.

Ambry Genetics
Classification: Likely benign for Hereditary cancer-predisposing syndrome. Last evaluated: 2020-01-15. Review status: criteria provided, single submitter. Criteria: Ambry Variant Classification Scheme 2023. Collection method: clinical testing. Allele origin: germline.

NM_000143.4(FH):c.1521G>A (p.Leu507=)

Gene: FH (fumarate hydratase; minus strand). Cytogenetic location: 1q43.
Variant type: single nucleotide variant.
Coding change: c.1521G>A on transcript NM_000143.4 (MANE Select); coding-DNA position 1521, G replaced by A.
Protein change: p.Leu507=; no amino-acid change (leucine 507 retained).
Molecular consequence: synonymous variant.
Genome position (GRCh38, 1-based): chr1:241,497,840, C>T on the plus strand (G>A on the coding strand, the complement: FH is on the minus strand). VCF-style: chr1-241497840-C-T. GRCh37 (hg19) VCF-style: chr1-241661140-C-T.
Identifiers: ClinVar variation 1105369 (VCV001105369.13), dbSNP rs2147911186, ClinGen allele CA424072425.